The following is an entry in ClinVar:

ClinVar aggregate classification (germline): Benign. Review status: criteria provided, multiple submitters, no conflicts (2 of 4 stars). 5 submissions from 5 submitters: Benign (4). 1 of the submissions does not count toward it. Last evaluated 2025-12-03.

Conditions:
CSF1R-related disorder. Also called: CSF1R-related condition. Identifiers: MedGen CN379780, MONDO:0100632.
Leukoencephalopathy, diffuse hereditary, with spheroids 1 (HDLS1). Also called: SUBCORTICAL GLIOSIS OF NEUMANN; DEMENTIA, FAMILIAL, NEUMANN TYPE; CSF1R-related adult-onset leukoencephalopathy with axonal spheroids and pigmented glia. Identifiers: Orphanet 313808, MedGen C5561929, MONDO:0800027, OMIM 221820.
Brain abnormalities, neurodegeneration, and dysosteosclerosis. Identifiers: MedGen C5193117, MONDO:0032772, OMIM 618476.
Hereditary diffuse leukoencephalopathy with spheroids. Also called: LEUKOENCEPHALOPATHY, ADULT-ONSET, WITH AXONAL SPHEROIDS AND PIGMENTED GLIA. Identifiers: Orphanet 313808, MedGen C3711381, MONDO:0030796.

Allele frequency attached by ClinVar (database versions not stated): gnomAD 0.00081 and 0.00110; TOPMed 0.00125; ExAC 0.00254; gnomAD exomes 0.00257 and 0.00077; 1000 Genomes Project 30x 0.00578; 1000 Genomes Project 0.00659.
gnomAD v4.1: 1,342 of 1,614,166 alleles (0.083%); highest among the groups gnomAD compares: East Asian, 2.8%; 24 homozygotes.

Submissions (5):

Labcorp Genetics (formerly Invitae), Labcorp
Classification: Benign. Last evaluated: 2025-12-03. Review status: criteria provided, single submitter. Criteria: Invitae Variant Classification Sherloc (09022015). Collection method: clinical testing. Allele origin: germline.

Mayo Clinic Laboratories, Mayo Clinic
Classification: Benign. Last evaluated: 2022-08-23. Review status: criteria provided, single submitter. Criteria: ACMG Guidelines, 2015. Collection method: clinical testing. Allele origin: germline. Observed: 3 variant alleles.
Comment: BS1, BS2, BP4, BP7

Fulgent Genetics
Classification: Benign for Leukoencephalopathy, diffuse hereditary, with spheroids 1; Brain abnormalities, neurodegeneration, and dysosteosclerosis. Last evaluated: 2021-08-24. Review status: criteria provided, single submitter. Criteria: ACMG Guidelines, 2015. Collection method: clinical testing. Allele origin: unknown.

Illumina Laboratory Services, Illumina
Classification: Benign for Leukoencephalopathy, diffuse hereditary, with spheroids 1. Last evaluated: 2018-01-12. Review status: criteria provided, single submitter. Criteria: ICSL Variant Classification Criteria 13 December 2019. Collection method: clinical testing. Allele origin: germline.
Comment: This variant was observed in the ICSL laboratory as part of a predisposition screen in an ostensibly healthy population. It had not been previously curated by ICSL or reported in the Human Gene Mutation Database (HGMD: prior to June 1st, 2018), and was therefore a candidate for classification through an automated scoring system. Utilizing variant allele frequency, disease prevalence and penetrance estimates, and inheritance mode, an automated score was calculated to assess if this variant is too frequent to cause the disease. Based on the score and internal cut-off values, a variant classified as benign is not then subjected to further curation. The score for this variant resulted in a classification of benign for this disease.

PreventionGenetics, part of Exact Sciences
Classification: Benign for CSF1R-related condition. Last evaluated: 2019-07-17. Review status: no assertion criteria provided. Collection method: clinical testing. Allele origin: germline. Not counted in ClinVar's aggregate classification.
Comment: This variant is classified as benign based on ACMG/AMP sequence variant interpretation guidelines (Richards et al. 2015 PMID: 25741868, with internal and published modifications).

NM_001288705.3(CSF1R):c.192C>T (p.Gly64=)

Gene: CSF1R (colony stimulating factor 1 receptor; minus strand). Cytogenetic location: 5q32.
Variant type: single nucleotide variant.
Coding change: c.192C>T on transcript NM_001288705.3 (MANE Select); coding-DNA position 192, C replaced by T.
Protein change: p.Gly64=; no amino-acid change (glycine 64 retained).
Molecular consequence: synonymous variant. On other transcripts: 5 prime UTR variant (1), non-coding transcript variant (2).
Genome position (GRCh38, 1-based): chr5:150,080,882, G>A on the plus strand (C>T on the coding strand, the complement: CSF1R is on the minus strand). VCF-style: chr5-150080882-G-A. GRCh37 (hg19) VCF-style: chr5-149460445-G-A.
Other names: p.Gly64=; c.192C>T, p.Gly64= (NM_001349736.2, NM_001375320.1, NM_005211.4); c.-253C>T (NM_001375321.1).
Identifiers: ClinVar variation 352176 (VCV000352176.18), dbSNP rs56282370, ClinGen allele CA3507257.
Genomic context (GRCh38, chr5:150,080,882, plus strand): 5'-GCAGCGATAGGTCCCCGTGTTTTGGAAGGTAGCGTTGTTGGTGCTGAGGATGCTGCTGGA[G>A]CCATCAGAGTACAGGGTCCAGTGAGGTGATGGGGGGCCATCCCATTCCACGCTGCCATTG-3'
Protein context (NP_001275634.1, residues 54-74): PSPHWTLYSD[Gly64=]SSSILSTNNA